The following is an entry in ClinVar:

ClinVar aggregate classification (germline): Likely benign (1 of 4 stars; one submission).

Allele frequency attached by ClinVar (database versions not stated): gnomAD 0.00031.

Submission:

CeGaT Center for Human Genetics Tuebingen
Classification: Likely benign. Last evaluated: 2024-06-01. Review status: criteria provided, single submitter. Criteria: CeGaT Center For Human Genetics Tuebingen Variant Classification Criteria Version 2. Collection method: clinical testing. Allele origin: germline. Affected: yes. Observed: 2 variant alleles.
Comment: CR1: BP4

NM_000651.6(CR1):c.2365C>A (p.Arg789Ser)

Gene: CR1 (complement C3b/C4b receptor 1 (Knops blood group); plus strand). Cytogenetic location: 1q32.2.
Variant type: single nucleotide variant.
Coding change: c.2365C>A on transcript NM_000651.6 (MANE Select); coding-DNA position 2365, C replaced by A.
Protein change: p.Arg789Ser; replaces arginine 789 with serine.
Molecular consequence: missense variant.
Genome position (GRCh38, 1-based): chr1:207,545,436, C>A. VCF-style: chr1-207545436-C-A. GRCh37 (hg19) VCF-style: chr1-207718781-C-A.
Other names: c.1015C>A, p.Arg339Ser (NM_001381851.1); short protein forms R339S, R789S.
Identifiers: ClinVar variation 2672381 (VCV002672381.23), dbSNP rs201738449, ClinGen allele CA1369616.